The following is an entry in ClinVar:

NM_000059.4(BRCA2):c.5554G>A (p.Val1852Ile)

Gene: BRCA2 (BRCA2 DNA repair associated; plus strand). Cytogenetic location: 13q13.1.
Variant type: single nucleotide variant.
Coding change: c.5554G>A on transcript NM_000059.4 (MANE Select); coding-DNA position 5554, G replaced by A.
Protein change: p.Val1852Ile; replaces valine 1852 with isoleucine.
Molecular consequence: missense variant.
Genome position (GRCh38, 1-based): chr13:32,339,909, G>A. VCF-style: chr13-32339909-G-A. GRCh37 (hg19) VCF-style: chr13-32914046-G-A.
Other names: 5782G>A; short protein forms V1852I.
Identifiers: ClinVar variation 37973 (VCV000037973.44), dbSNP rs80358777, ClinGen allele CA022546.
Genomic context (GRCh38, chr13:32,339,909, plus strand): 5'-TCTAATAGTAATAATTTTGAGGTAGGGCCACCTGCATTTAGGATAGCCAGTGGTAAAATC[G>A]TTTGTGTTTCACATGAAACAATTAAAAAAGTGAAAGACATATTTACAGACAGTTTCAGTA-3'
Protein context (NP_000050.3, residues 1842-1862): PAFRIASGKI[Val1852Ile]CVSHETIKKV

ClinVar aggregate classification (germline): Conflicting classifications of pathogenicity. Review status: criteria provided, conflicting classifications (1 of 4 stars). 17 submissions from 17 submitters: Uncertain significance (4); Likely benign (9). 4 of the submissions do not count toward it. Last evaluated 2026-02-03.

Conditions:
Hereditary cancer-predisposing syndrome. Also called: Neoplastic Syndromes, Hereditary; Hereditary neoplastic syndrome; Tumor predisposition; Hereditary Cancer Syndrome. Identifiers: Orphanet 140162, MedGen C0027672, MeSH D009386, MONDO:0015356.
Hereditary breast ovarian cancer syndrome. Also called: Hereditary breast and/or ovarian cancer syndrome; Breast and ovarian cancer; BRCA1- and BRCA2-Associated Hereditary Breast and Ovarian Cancer; Hereditary breast and ovarian cancer; Hereditary breast and ovarian cancer syndrome; Hereditary breast and ovarian cancer syndrome (HBOC). Identifiers: Orphanet 145, MedGen C0677776, MeSH D061325, MONDO:0003582. Disease mechanism: loss of function.
Breast-ovarian cancer, familial, susceptibility to, 2 (BROVCA2). Also called: BRCA2 Hereditary Breast and Ovarian Cancer. Identifiers: Orphanet 145, MedGen C2675520, MONDO:0012933, OMIM 612555. Disease mechanism: loss of function.

Allele frequency attached by ClinVar (database versions not stated): TOPMed 0.00002; ExAC 0.00004.
gnomAD v4.1: 36 of 1,608,446 alleles (0.0022%); highest among the groups gnomAD compares: East Asian, 0.036%; no homozygotes.

Submissions 1 to 9 of 17:

Labcorp Genetics (formerly Invitae), Labcorp
Classification: Likely benign for Hereditary breast ovarian cancer syndrome. Last evaluated: 2026-02-03. Review status: criteria provided, single submitter. Criteria: Invitae Variant Classification Sherloc (09022015). Collection method: clinical testing. Allele origin: germline.

Women's Health and Genetics/Laboratory Corporation of America, LabCorp
Classification: Likely benign. Last evaluated: 2025-12-03. Review status: criteria provided, single submitter. Criteria: LabCorp Variant Classification Summary - May 2015. Collection method: clinical testing. Allele origin: germline.
Comment: Variant summary: BRCA2 c.5554G>A (p.Val1852Ile) results in a conservative amino acid change in the encoded protein sequence. Algorithms developed to predict the effect of missense changes on protein structure and function all suggest that this variant is likely to be tolerated. The variant allele was found at a frequency of 8.5e-05 in 295242 control chromosomes. It has also been reported in some East Asian subpopulations with an even higher allele frequency, e.g. in the Japanese, with an allele frequency of 0.000388 (in the jMorp database), although this frequency is not significantly higher than estimated for disease-causing variants in BRCA2, allowing no conclusion about variant significance. c.5554G>A has been observed in individuals affected with breast and/or ovarian cancer (e.g. Momozawa_2018, Dorling_2021, Lee_2018, Kim_2020, Kim_2021), and individuals with other cancers (e.g. Haiman_2013, Dame_2018, Fujitani_2023), as well as in healthy controls (Momozawa_2018, Dorling_2021). Co-occurrences with other pathogenic variants have been reported (BRCA2 c.9076C>T, p.Gln3026X in LOVD and BRCA1 c.5467+1G>A in two internal samples), providing supporting evidence for a benign role. To our knowledge, no experimental evidence demonstrating an impact on protein function has been reported. However, a large-scale study utilizing multifactorial probability model for quantitative analysis of BRCA1 and BRCA2 variants predicted this variant to be likely benign (Parsons_2019). The following publications have been ascertained in the context of this evaluation (PMID: 29467240, 33471991, 36896836, 23555315, 31907386, 33875706, 30415210, 25348012, 30287823, 31131967, 35534704). ClinVar contains an entry for this variant (Variation ID: 37973). Based on the evidence outlined above, the variant was classified as likely benign.

Dasa
Classification: Likely benign. Last evaluated: 2025-11-10. Review status: criteria provided, single submitter. Criteria: DASA Assertion Criteria. Collection method: clinical testing. Allele origin: germline.
Comment: NM_000059.4(BRCA2):c.5554G>A (p.Val1852Ile) is a missense variant that results in the substitution of valine with isoleucine. Population frequency is inconsistent with a disease-causing role for this variant, and the variant context is inconsistent with a known disease-causing mechanism. Therefore, based on the currently available evidence, this variant is classified as likely benign.

Blueprint Genetics
Classification: Likely benign. Last evaluated: 2024-10-07. Review status: criteria provided, single submitter. Criteria: ACMG Guidelines, 2015. Collection method: clinical testing. Allele origin: germline.

Quest Diagnostics Nichols Institute San Juan Capistrano
Classification: Uncertain significance. Last evaluated: 2024-09-26. Review status: criteria provided, single submitter. Criteria: Quest Diagnostics criteria. Collection method: clinical testing. Allele origin: unknown.
Comment: The BRCA2 c.5554G>A (p.Val1852Ile) variant has been reported in individuals with a personal and/or family history of breast cancer (PMID: 33875706 (2021), 33471991 (2021), 30287823 (2018), see also LOVD), pancreatic cancer (PMID: 36896836 (2023), 32980694 (2020)), and prostate cancer (PMID: 35534704 (2022), 23555315 (2013)). The variant has also been identified in reportedly healthy individuals (PMID: 36243179 (2022), 33471991 (2021), 32980694 (2020), 30287823 (2018), 23555315 (2013), see also LOVD). The frequency of this variant in the general population, 0.00007 (9/127900 chromosomes (Genome Aggregation Database)), is uninformative in the assessment of its pathogenicity. Analysis of this variant using bioinformatics tools for the prediction of the effect of amino acid changes on protein structure and function yielded predictions that this variant is benign. Based on the available information, we are unable to determine the clinical significance of this variant.

All of Us Research Program, National Institutes of Health
Classification: Likely benign for Breast-ovarian cancer, familial, susceptibility to, 2. Last evaluated: 2023-12-13. Review status: criteria provided, single submitter. Criteria: ACMG Guidelines, 2015. Collection method: clinical testing. Allele origin: germline. Inheritance: Autosomal dominant inheritance. Observed: 5 variant alleles, 5 heterozygotes.
Comment: This study involves interpretation of variants in research participants for the purpose of population health screening. Participant phenotype was not available at the time of variant classification. Additional details can be found in publication PMID: 35346344, PMCID: PMC8962531

St. Jude Molecular Pathology, St. Jude Children's Research Hospital
Classification: Uncertain significance for Breast-ovarian cancer, familial, susceptibility to, 2. Last evaluated: 2023-08-30. Review status: criteria provided, single submitter. Criteria: St. Jude Assertion Criteria 2020. Collection method: clinical testing. Allele origin: germline.
Comment: The BRCA2 c.5554G>A (p.Val1852Ile) missense change has a maximum subpopulation frequency of 0.007% in gnomAD v2.1.1. The in silico tool REVEL is inconclusive about a pathogenic or benign effect of this variant on protein function, and to our knowledge functional studies have not been performed. This variant has been reported in an individual with a personal history of breast cancer (PMID: 30287823). To our knowledge, this variant has not been reported in individuals with Fanconi anemia. In summary, the evidence currently available is insufficient to determine the clinical significance of this variant. It has therefore been classified as of uncertain significance.

ARUP Laboratories, Molecular Genetics and Genomics, ARUP Laboratories
Classification: Uncertain significance. Last evaluated: 2023-05-09. Review status: criteria provided, single submitter. Criteria: ARUP Molecular Germline Variant Investigation Process 2024. Collection method: clinical testing. Allele origin: germline.
Comment: The BRCA2 c.5554G>A; p.Val1852Ile variant (rs80358777) is reported in the literature in several individuals affected with breast cancer, as well as several healthy controls (Kim 2021, Momozawa 2018). This variant is also reported in ClinVar (Variation ID: 37973). It is observed in the non-Finnish European population with an overall allele frequency of 0.007% (9/127900 alleles) in the Genome Aggregation Database. Computational analyses are uncertain whether this variant is neutral or deleterious (REVEL: 0.335). A multifactorial likelihood analysis based on family history, co-segregation and co-occurrence with pathogenic variants suggests that the p.Val1852Ile variant is unlikely to cause disease (Parsons 2019). Due to limited information, the clinical significance of the p.Val1852Ile variant is uncertain at this time. References: Kim JH et al. Analysis of BRCA1/2 variants of unknown significance in the prospective Korean Hereditary Breast Cancer study. Sci Rep. 2021 Apr 19;11(1):8485. PMID: 33875706. Parsons MT et al. Large scale multifactorial likelihood quantitative analysis of BRCA1 and BRCA2 variants: An ENIGMA resource to support clinical variant classification. Hum Mutat. 2019 Sep;40(9):1557-1578. PMID: 31131967. Momozawa Y et al. Germline pathogenic variants of 11 breast cancer genes in 7,051 Japanese patients and 11,241 controls. Nat Commun. 2018 Oct 4;9(1):4083. PMID: 30287823.

University of Washington Department of Laboratory Medicine, University of Washington
Classification: Likely benign for Hereditary cancer-predisposing syndrome. Last evaluated: 2023-03-23. Review status: criteria provided, single submitter. Criteria: Dines et al. (Genet Med. 2020). Collection method: curation. Allele origin: germline.
Comment: Missense variant in a coldspot region where missense variants are very unlikely to be pathogenic (PMID:31911673).

BRCA2 exon 11 coldspot. Reclassification based on statistical prior probability.